The following is an entry in ClinVar:

ClinVar aggregate classification (germline): Likely benign. Review status: criteria provided, multiple submitters, no conflicts (2 of 4 stars). 5 submissions from 5 submitters: Likely benign (5). Last evaluated 2026-03-04.

Conditions:
Hereditary cancer-predisposing syndrome. Also called: Tumor predisposition; Hereditary Cancer Syndrome; Neoplastic Syndromes, Hereditary; Hereditary neoplastic syndrome. Identifiers: Orphanet 140162, MedGen C0027672, MeSH D009386, MONDO:0015356.
Hereditary nonpolyposis colorectal neoplasms. Identifiers: MedGen C0009405, MeSH D003123.

Allele frequency attached by ClinVar (database versions not stated): ExAC 0.00001; gnomAD exomes 0.00001; TOPMed 0.00001.

Submissions (5):

Ambry Genetics
Classification: Likely benign for Hereditary cancer-predisposing syndrome. Last evaluated: 2026-03-04. Review status: criteria provided, single submitter. Criteria: Ambry Variant Classification Scheme 2023. Collection method: clinical testing. Allele origin: germline.

Labcorp Genetics (formerly Invitae), Labcorp
Classification: Likely benign for Hereditary nonpolyposis colorectal neoplasms. Last evaluated: 2025-12-03. Review status: criteria provided, single submitter. Criteria: Invitae Variant Classification Sherloc (09022015). Collection method: clinical testing. Allele origin: germline.

Center for Genomic Medicine, Rigshospitalet, Copenhagen University Hospital
Classification: Likely benign. Last evaluated: 2025-03-04. Review status: criteria provided, single submitter. Criteria: ACMG Guidelines, 2015. Collection method: clinical testing. Allele origin: germline.

Color Diagnostics, LLC DBA Color Health
Classification: Likely benign for Hereditary cancer-predisposing syndrome. Last evaluated: 2017-05-12. Review status: criteria provided, single submitter. Criteria: ACMG Guidelines, 2015. Collection method: clinical testing. Allele origin: germline.

GeneDx
Classification: Likely benign. Last evaluated: 2017-02-17. Review status: criteria provided, single submitter. Criteria: GeneDx Variant Classification (06012015). Collection method: clinical testing. Allele origin: germline. Affected: yes.
Comment: This variant is considered likely benign or benign based on one or more of the following criteria: it is a conservative change, it occurs at a poorly conserved position in the protein, it is predicted to be benign by multiple in silico algorithms, and/or has population frequency not consistent with disease.

NM_000535.7(PMS2):c.903+20G>C

Gene: PMS2 (PMS1 homolog 2, mismatch repair system component; minus strand). Cytogenetic location: 7p22.1.
Variant type: single nucleotide variant.
Coding change: c.903+20G>C on transcript NM_000535.7 (MANE Select); 20 bases into the intron after coding-DNA position 903, G replaced by C.
Molecular consequence: intron variant.
Genome position (GRCh38, 1-based): chr7:5,995,514, C>G on the plus strand (G>C on the coding strand, the complement: PMS2 is on the minus strand). VCF-style: chr7-5995514-C-G. GRCh37 (hg19) VCF-style: chr7-6035145-C-G.
Other names: c.585+20G>C (NM_001322008.2, NM_001322007.2); c.498+20G>C (NM_001322010.2, NM_001322004.2, NM_001322003.2 and 2 more transcripts); c.330+20G>C (NM_001322013.2); c.-31+20G>C (NM_001322012.2, NM_001322011.2); c.594+20G>C (NM_001322015.2); c.903+20G>C (NM_001322006.2, NM_001322014.2).
Identifiers: ClinVar variation 492304 (VCV000492304.19), dbSNP rs750189082, ClinGen allele CA052250.